The following is an entry in ClinVar:

NM_001040108.2(MLH3):c.4196C>T (p.Ser1399Phe)

Gene: MLH3 (mutL homolog 3; minus strand). Cytogenetic location: 14q24.3.
Variant type: single nucleotide variant.
Coding change: c.4196C>T on transcript NM_001040108.2 (MANE Select); coding-DNA position 4196, C replaced by T.
Protein change: p.Ser1399Phe; replaces serine 1399 with phenylalanine.
Molecular consequence: missense variant.
Genome position (GRCh38, 1-based): chr14:75,018,875, G>A on the plus strand (C>T on the coding strand, the complement: MLH3 is on the minus strand). VCF-style: chr14-75018875-G-A. GRCh37 (hg19) VCF-style: chr14-75485578-G-A.
Other names: c.4124C>T, p.Ser1375Phe (NM_014381.3); short protein forms S1399F, S1375F.
Identifiers: ClinVar variation 4841843 (VCV004841843.1).
Genomic context (GRCh38, chr14:75,018,875, plus strand): 5'-AGTCATTAATGTACCTGTTTTTCCTGTTCCAAGTGGTCTATGTCAGCTAACGGCAGCATA[G>A]AAGGTCTCCCGTGAGCACACTGGAATGGCAGCTGGCATGAGGACAGAGCTTCAATAAGGC-3'
Protein context (NP_001035197.1, residues 1389-1409): LPFQCAHGRP[Ser1399Phe]MLPLADIDHL

ClinVar aggregate classification (germline): Uncertain significance (1 of 4 stars; one submission).

Submission:

Ambry Genetics
Classification: Uncertain significance. Last evaluated: 2026-01-14. Review status: criteria provided, single submitter. Criteria: Ambry Variant Classification Scheme 2023. Collection method: clinical testing. Allele origin: germline.
Comment: The p.S1399F variant (also known as c.4196C>T), located in coding exon 11 of the MLH3 gene, results from a C to T substitution at nucleotide position 4196. The serine at codon 1399 is replaced by phenylalanine, an amino acid with highly dissimilar properties. This amino acid position is conserved. In addition, this alteration is predicted to be deleterious by in silico analysis. Based on the available evidence, the clinical significance of this variant remains unclear.